The following is an entry in ClinVar:

NM_139343.3(BIN1):c.1358C>T (p.Pro453Leu)

Gene: BIN1 (bridging integrator 1; minus strand). Cytogenetic location: 2q14.3.
Variant type: single nucleotide variant.
Coding change: c.1358C>T on transcript NM_139343.3 (MANE Select); coding-DNA position 1358, C replaced by T.
Protein change: p.Pro453Leu; replaces proline 453 with leucine.
Molecular consequence: missense variant. On other transcripts: intron variant (9).
Genome position (GRCh38, 1-based): chr2:127,052,268, G>A on the plus strand (C>T on the coding strand, the complement: BIN1 is on the minus strand). VCF-style: chr2-127052268-G-A. GRCh37 (hg19) VCF-style: chr2-127809844-G-A.
Other names: c.1265C>T, p.Pro422Leu (NM_001320641.2); c.1277C>T, p.Pro426Leu (NM_001320642.1); c.1229C>T, p.Pro410Leu (NM_139344.3); c.1097C>T, p.Pro366Leu (NM_139345.3); c.1133C>T, p.Pro378Leu (NM_139347.3); c.1004C>T, p.Pro335Leu (NM_139349.3); c.838-1356C>T (NM_001320634.1); c.910-1356C>T (NM_139351.3); and 7 more; short protein forms P366L, P410L, P426L, P335L, P378L, P422L, P453L.
Identifiers: ClinVar variation 837032 (VCV000837032.16), dbSNP rs753599819, ClinGen allele CA1857093.
Genomic context (GRCh38, chr2:127,052,268, plus strand): 5'-CTAGAGACTGGGGACAAGCCAGACAGGGGCTGGAGGTGGGCACTTACTTGGGCAGGCCCC[G>A]GCTCGGCCGTCTGGCTGGGCCAGGACACAGCAAAGGTGCCCTCGGCAGCGCTGGGCTCCC-3'
Protein context (NP_647593.1, residues 443-463): AVSWPSQTAE[Pro453Leu]GPAQPAEASE

ClinVar aggregate classification (germline): Uncertain significance. Review status: criteria provided, multiple submitters, no conflicts (2 of 4 stars). 3 submissions from 3 submitters: Uncertain significance (3). Last evaluated 2026-01-06.

Conditions:
Myopathy, centronuclear, 2 (CNM2). Also called: MYOTUBULAR MYOPATHY, AUTOSOMAL RECESSIVE. Identifiers: Orphanet 169186, MedGen CN031787, MONDO:0009709, OMIM 255200.

Allele frequency attached by ClinVar (database versions not stated): gnomAD 0.00007; TOPMed 0.00009; ExAC 0.00013; gnomAD exomes 0.00009.
gnomAD v4.1: 84 of 1,575,134 alleles (0.0053%); highest among the groups gnomAD compares: Admixed American, 0.024%; no homozygotes.

Submissions (3):

Labcorp Genetics (formerly Invitae), Labcorp
Classification: Uncertain significance for Myopathy, centronuclear, 2. Last evaluated: 2026-01-06. Review status: criteria provided, single submitter. Criteria: Invitae Variant Classification Sherloc (09022015). Collection method: clinical testing. Allele origin: germline.
Comment: This sequence change replaces proline, which is neutral and non-polar, with leucine, which is neutral and non-polar, at codon 453 of the BIN1 protein (p.Pro453Leu). This variant is present in population databases (rs753599819, gnomAD 0.03%). This variant has not been reported in the literature in individuals affected with BIN1-related conditions. ClinVar contains an entry for this variant (Variation ID: 837032). An algorithm developed to predict the effect of missense changes on protein structure and function outputs the following: PolyPhen-2: "Benign". The leucine amino acid residue is found in multiple mammalian species, which suggests that this missense change does not adversely affect protein function. In summary, the available evidence is currently insufficient to determine the role of this variant in disease. Therefore, it has been classified as a Variant of Uncertain Significance.

GeneDx
Classification: Uncertain significance. Last evaluated: 2025-12-08. Review status: criteria provided, single submitter. Criteria: GeneDx Variant Classification Process June 2021. Collection method: clinical testing. Allele origin: germline. Affected: yes.
Comment: In silico analysis supports that this missense variant has a deleterious effect on protein structure/function; Has not been previously published as pathogenic or benign to our knowledge

Revvity Omics, Revvity
Classification: Uncertain significance for Myopathy, centronuclear, 2. Last evaluated: 2020-01-28. Review status: criteria provided, single submitter. Criteria: ACMG Guidelines, 2015. Collection method: clinical testing. Allele origin: germline.